The following is an entry in ClinVar:

ClinVar aggregate classification (germline): Benign/Likely benign. Review status: criteria provided, multiple submitters, no conflicts (2 of 4 stars). 5 submissions from 5 submitters: Benign (4); Likely benign (1). Last evaluated 2026-05-09.

Allele frequency attached by ClinVar (database versions not stated): ESP Exome Variant Server 0.03345; gnomAD exomes 0.05449 and 0.08248; TOPMed 0.05398; gnomAD 0.05466 and 0.04747; ExAC 0.08030; 1000 Genomes Project 30x 0.12258; 1000 Genomes Project 0.12999.
gnomAD v4.1: 88,308 of 1,614,118 alleles (5.5%); highest among the groups gnomAD compares: East Asian, 37%; 5,524 homozygotes.

Submissions (5):

Women's Health and Genetics/Laboratory Corporation of America, LabCorp
Classification: Likely benign. Last evaluated: 2026-05-09. Review status: criteria provided, single submitter. Criteria: LabCorp Variant Classification Summary - May 2015. Collection method: clinical testing. Allele origin: germline.

Labcorp Genetics (formerly Invitae), Labcorp
Classification: Benign. Last evaluated: 2026-02-04. Review status: criteria provided, single submitter. Criteria: Invitae Variant Classification Sherloc (09022015). Collection method: clinical testing. Allele origin: germline.

GeneDx
Classification: Benign. Last evaluated: 2019-10-16. Review status: criteria provided, single submitter. Criteria: GeneDx Variant Classification Process June 2021. Collection method: clinical testing. Allele origin: germline. Affected: yes.
Comment: This variant is associated with the following publications: (PMID: 29802726)

Breakthrough Genomics
Classification: Benign. Review status: criteria provided, single submitter. Criteria: ACMG Guidelines, 2015. Collection method: not provided. Allele origin: germline. Inheritance: Autosomal recessive inheritance. Affected: yes.

PreventionGenetics, part of Exact Sciences
Classification: Benign. Review status: criteria provided, single submitter. Criteria: ACMG Guidelines, 2015. Collection method: clinical testing. Allele origin: germline.

NM_032603.5(LOXL3):c.1843A>T (p.Ile615Phe)

Gene: LOXL3 (lysyl oxidase like 3; minus strand). Cytogenetic location: 2p13.1.
Variant type: single nucleotide variant.
Coding change: c.1843A>T on transcript NM_032603.5 (MANE Select); coding-DNA position 1843, A replaced by T.
Protein change: p.Ile615Phe; replaces isoleucine 615 with phenylalanine.
Molecular consequence: missense variant.
Genome position (GRCh38, 1-based): chr2:74,534,412, T>A on the plus strand (A>T on the coding strand, the complement: LOXL3 is on the minus strand). VCF-style: chr2-74534412-T-A. GRCh37 (hg19) VCF-style: chr2-74761539-T-A.
Other names: c.1408A>T, p.Ile470Phe (NM_001289164.3); c.760A>T, p.Ile254Phe (NM_001289165.2); short protein forms I615F, I470F, I254F.
Identifiers: ClinVar variation 262091 (VCV000262091.12), dbSNP rs17010021, ClinGen allele CA1728778.